The following is an entry in ClinVar:

ClinVar aggregate classification (germline): Benign. Review status: criteria provided, multiple submitters, no conflicts (2 of 4 stars). 2 submissions from 2 submitters: Benign (2). Last evaluated 2018-06-14.

Allele frequency attached by ClinVar (database versions not stated): 1000 Genomes Project 30x 0.06933; 1000 Genomes Project 0.07049; gnomAD 0.08087 and 0.08093; TOPMed 0.08165.
gnomAD v4.1: 12,287 of 151,572 alleles (8.1%); highest among the groups gnomAD compares: South Asian, 12%; 548 homozygotes.

Submissions (2):

GeneDx
Classification: Benign. Last evaluated: 2018-06-14. Review status: criteria provided, single submitter. Criteria: GeneDx Variant Classification (06012015). Collection method: clinical testing. Allele origin: germline. Affected: yes.
Comment: This variant is considered likely benign or benign based on one or more of the following criteria: it is a conservative change, it occurs at a poorly conserved position in the protein, it is predicted to be benign by multiple in silico algorithms, and/or has population frequency not consistent with disease.

Breakthrough Genomics
Classification: Benign. Review status: criteria provided, single submitter. Criteria: ACMG Guidelines, 2015. Collection method: not provided. Allele origin: germline. Inheritance: Autosomal recessive inheritance. Affected: yes.

NM_001330078.2(NRXN1):c.832+267C>T

Gene: NRXN1 (neurexin 1; minus strand). Cytogenetic location: 2p16.3.
Variant type: single nucleotide variant.
Coding change: c.832+267C>T on transcript NM_001330078.2 (MANE Select); 267 bases into the intron after coding-DNA position 832, C replaced by T.
Molecular consequence: intron variant.
Genome position (GRCh38, 1-based): chr2:50,921,602, G>A on the plus strand (C>T on the coding strand, the complement: NRXN1 is on the minus strand). VCF-style: chr2-50921602-G-A. GRCh37 (hg19) VCF-style: chr2-51148740-G-A.
Other names: c.772+105900C>T (NM_001330096.2, NM_001330087.2, NM_001330083.2 and 1 more transcripts); c.802+1056C>T (NM_001330088.2); c.829+267C>T (NM_001330093.2, NM_001330079.2); c.820+1056C>T (NM_001330094.2); c.832+267C>T (NM_001330095.2, NM_001330082.2, NM_001330077.2 and 5 more transcripts); c.931+267C>T (NM_001135659.3).
Identifiers: ClinVar variation 669730 (VCV000669730.2), dbSNP rs62142981, ClinGen allele CA16097743.